The following is an entry in ClinVar:

NM_005585.5(SMAD6):c.139C>T (p.Pro47Ser)

Gene: SMAD6 (SMAD family member 6; plus strand). Cytogenetic location: 15q22.31.
Variant type: single nucleotide variant.
Coding change: c.139C>T on transcript NM_005585.5 (MANE Select); coding-DNA position 139, C replaced by T.
Protein change: p.Pro47Ser; replaces proline 47 with serine.
Molecular consequence: missense variant. On other transcripts: non-coding transcript variant (1).
Genome position (GRCh38, 1-based): chr15:66,703,397, C>T. VCF-style: chr15-66703397-C-T. GRCh37 (hg19) VCF-style: chr15-66995735-C-T.
Other names: short protein forms P47S.
Identifiers: ClinVar variation 471749 (VCV000471749.15), dbSNP rs368960350, ClinGen allele CA7626442.

ClinVar aggregate classification (germline): Benign/Likely benign. Review status: criteria provided, multiple submitters, no conflicts (2 of 4 stars). 2 submissions from 2 submitters: Benign (1); Likely benign (1). Last evaluated 2026-01-28.

Conditions:
Aortic valve disease 2 (AOVD2). Identifiers: MedGen C3542024, MONDO:0013902, OMIM 614823.

Allele frequency attached by ClinVar (database versions not stated): gnomAD exomes 0.00039 and 0.00081; ESP Exome Variant Server 0.00256; gnomAD 0.00507 and 0.00546; 1000 Genomes Project 30x 0.00531; ExAC 0.00534; 1000 Genomes Project 0.00559; TOPMed 0.00581.

Submissions (2):

Labcorp Genetics (formerly Invitae), Labcorp
Classification: Benign for Aortic valve disease 2. Last evaluated: 2026-01-28. Review status: criteria provided, single submitter. Criteria: Invitae Variant Classification Sherloc (09022015). Collection method: clinical testing. Allele origin: germline.

Women's Health and Genetics/Laboratory Corporation of America, LabCorp
Classification: Likely benign. Last evaluated: 2026-01-11. Review status: criteria provided, single submitter. Criteria: LabCorp Variant Classification Summary - May 2015. Collection method: clinical testing. Allele origin: germline.
Comment: Variant summary: SMAD6 c.139C>T (p.Pro47Ser) results in a non-conservative amino acid change in the encoded protein sequence. Algorithms developed to predict the effect of missense changes on protein structure and function are either unavailable or do not agree on the potential impact of this missense change. The variant allele was found at a frequency of 0.00081 in 33256 control chromosomes. The observed variant frequency exceeds the estimated maximal expected allele frequency for disease-causing variants in SMAD6. To our knowledge, no occurrence of c.139C>T in individuals affected with SMAD6-related conditions and no experimental evidence demonstrating its impact on protein function have been reported. ClinVar contains an entry for this variant (Variation ID: 471749). Based on the evidence outlined above, the variant was classified as likely benign.